The following is an entry in ClinVar:

NM_001429.4(EP300):c.3143-9T>C

Gene: EP300 (EP300 lysine acetyltransferase; plus strand). Cytogenetic location: 22q13.2.
Variant type: single nucleotide variant.
Coding change: c.3143-9T>C on transcript NM_001429.4 (MANE Select); 9 bases into the intron before coding-DNA position 3143, T replaced by C.
Molecular consequence: intron variant.
Genome position (GRCh38, 1-based): chr22:41,154,986, T>C. VCF-style: chr22-41154986-T-C. GRCh37 (hg19) VCF-style: chr22-41550990-T-C.
Other names: c.3065-9T>C (NM_001362843.2).
Identifiers: ClinVar variation 718189 (VCV000718189.17), dbSNP rs199773872, ClinGen allele CA10253060.

ClinVar aggregate classification (germline): Benign/Likely benign. Review status: criteria provided, multiple submitters, no conflicts (2 of 4 stars). 4 submissions from 4 submitters: Benign (2); Likely benign (1). 1 of the submissions does not count toward it. Last evaluated 2025-10-27.

Conditions:
EP300-related disorder. Also called: EP300-related condition; EP300-related disorders.
Rubinstein-Taybi syndrome due to EP300 haploinsufficiency. Also called: EP300-Related Rubinstein-Taybi Syndrome; RUBINSTEIN-TAYBI SYNDROME 2. Identifiers: Orphanet 353284, Orphanet 783, MedGen C3150941, MONDO:0013364, OMIM 613684.

Allele frequency attached by ClinVar (database versions not stated): gnomAD exomes 0.00008 and 0.00021; ExAC 0.00026; ESP Exome Variant Server 0.00038; TOPMed 0.00070; gnomAD 0.00077 and 0.00083; 1000 Genomes Project 30x 0.00078; 1000 Genomes Project 0.00100.
gnomAD v4.1: 235 of 1,586,700 alleles (0.015%); highest among the groups gnomAD compares: African/African-American, 0.3%; no homozygotes.

Submissions (4):

Labcorp Genetics (formerly Invitae), Labcorp
Classification: Benign for Rubinstein-Taybi syndrome due to EP300 haploinsufficiency. Last evaluated: 2025-10-27. Review status: criteria provided, single submitter. Criteria: Invitae Variant Classification Sherloc (09022015). Collection method: clinical testing. Allele origin: germline.

Blueprint Genetics
Classification: Likely benign. Last evaluated: 2023-02-17. Review status: criteria provided, single submitter. Criteria: ACMG Guidelines, 2015. Collection method: clinical testing. Allele origin: germline.

GeneDx
Classification: Benign. Last evaluated: 2019-05-14. Review status: criteria provided, single submitter. Criteria: GeneDx Variant Classification Process June 2021. Collection method: clinical testing. Allele origin: germline. Affected: yes.

PreventionGenetics, part of Exact Sciences
Classification: Benign for EP300-related condition. Last evaluated: 2022-01-10. Review status: no assertion criteria provided. Collection method: clinical testing. Allele origin: germline. Not counted in ClinVar's aggregate classification.
Comment: This variant is classified as benign based on ACMG/AMP sequence variant interpretation guidelines (Richards et al. 2015 PMID: 25741868, with internal and published modifications).